The following is an entry in ClinVar:

ClinVar aggregate classification (germline): Uncertain significance (1 of 4 stars; one submission).

Submission:

Labcorp Genetics (formerly Invitae), Labcorp
Classification: Uncertain significance. Last evaluated: 2021-03-14. Review status: criteria provided, single submitter. Criteria: Invitae Variant Classification Sherloc (09022015). Collection method: clinical testing. Allele origin: germline.
Comment: This sequence change creates a premature translational stop signal (p.Trp121*) in the GALNT12 gene. It is expected to result in an absent or disrupted protein product. However, the current clinical and genetic evidence is not sufficient to establish whether loss-of-function variants in GALNT12 cause disease. The frequency data for this variant in the population databases is considered unreliable, as metrics indicate insufficient coverage at this position in the ExAC database. This variant has not been reported in the literature in individuals with GALNT12-related conditions. In summary, the available evidence is currently insufficient to determine the role of this variant in disease. Therefore, it has been classified as a Variant of Uncertain Significance.

NM_024642.5(GALNT12):c.363G>A (p.Trp121Ter)

Gene: GALNT12 (polypeptide N-acetylgalactosaminyltransferase 12; plus strand). Cytogenetic location: 9q22.33.
Variant type: single nucleotide variant.
Coding change: c.363G>A on transcript NM_024642.5 (MANE Select); coding-DNA position 363, G replaced by A.
Protein change: p.Trp121Ter; replaces tryptophan 121 with a stop codon.
Molecular consequence: nonsense.
Genome position (GRCh38, 1-based): chr9:98,808,061, G>A. VCF-style: chr9-98808061-G-A. GRCh37 (hg19) VCF-style: chr9-101570343-G-A.
Other names: short protein forms W121*.
Identifiers: ClinVar variation 1516724 (VCV001516724.6), dbSNP rs1391841803, ClinGen allele CA374223160.